The following is an entry in ClinVar:

NM_021076.4(NEFH):c.1319G>A (p.Ser440Asn)

Gene: NEFH (neurofilament heavy chain; plus strand). Cytogenetic location: 22q12.2.
Variant type: single nucleotide variant.
Coding change: c.1319G>A on transcript NM_021076.4 (MANE Select); coding-DNA position 1319, G replaced by A.
Protein change: p.Ser440Asn; replaces serine 440 with asparagine.
Molecular consequence: missense variant.
Genome position (GRCh38, 1-based): chr22:29,488,959, G>A. VCF-style: chr22-29488959-G-A. GRCh37 (hg19) VCF-style: chr22-29884948-G-A.
Other names: short protein forms S440N.
Identifiers: ClinVar variation 3717868 (VCV003717868.2).

ClinVar aggregate classification (germline): Uncertain significance (1 of 4 stars; one submission).

gnomAD v4.1: 11 of 1,614,192 alleles (0.00068%); highest among the groups gnomAD compares: East Asian, 0.025%; no homozygotes.

Submission:

Labcorp Genetics (formerly Invitae), Labcorp
Classification: Uncertain significance. Last evaluated: 2024-07-30. Review status: criteria provided, single submitter. Criteria: Invitae Variant Classification Sherloc (09022015). Collection method: clinical testing. Allele origin: germline.
Comment: This sequence change replaces serine, which is neutral and polar, with asparagine, which is neutral and polar, at codon 440 of the NEFH protein (p.Ser440Asn). This variant is present in population databases (rs771384348, gnomAD 0.03%). This variant has not been reported in the literature in individuals affected with NEFH-related conditions. Advanced modeling of protein sequence and biophysical properties (such as structural, functional, and spatial information, amino acid conservation, physicochemical variation, residue mobility, and thermodynamic stability) performed at Invitae indicates that this missense variant is not expected to disrupt NEFH protein function with a negative predictive value of 95%. In summary, the available evidence is currently insufficient to determine the role of this variant in disease. Therefore, it has been classified as a Variant of Uncertain Significance.